The following is an entry in ClinVar:

NM_003597.5(KLF11):c.252T>A (p.Thr84=)

Gene: KLF11 (KLF transcription factor 11; plus strand). Cytogenetic location: 2p25.1.
Variant type: single nucleotide variant.
Coding change: c.252T>A on transcript NM_003597.5 (MANE Select); coding-DNA position 252, T replaced by A.
Protein change: p.Thr84=; no amino-acid change (threonine 84 retained).
Molecular consequence: synonymous variant.
Genome position (GRCh38, 1-based): chr2:10,046,359, T>A. VCF-style: chr2-10046359-T-A. GRCh37 (hg19) VCF-style: chr2-10186486-T-A.
Other names: c.201T>A, p.Thr67= (NM_001177716.2, NM_001177718.2).
Identifiers: ClinVar variation 3048571 (VCV003048571.3), dbSNP rs1199402441, ClinGen allele CA424800403.

ClinVar aggregate classification (germline): Likely benign. Review status: criteria provided, single submitter (1 of 4 stars). 2 submissions from 2 submitters: Likely benign (1). 1 of the submissions does not count toward it. Last evaluated 2025-09-03.

Conditions:
KLF11-related disorder. Also called: KLF11-related condition.

Allele frequency attached by ClinVar (database versions not stated): gnomAD exomes below 0.00001; gnomAD 0.00001; TOPMed 0.00001.

Submissions (2):

Labcorp Genetics (formerly Invitae), Labcorp
Classification: Likely benign. Last evaluated: 2025-09-03. Review status: criteria provided, single submitter. Criteria: Invitae Variant Classification Sherloc (09022015). Collection method: clinical testing. Allele origin: germline.

PreventionGenetics, part of Exact Sciences
Classification: Likely benign for KLF11-related condition. Last evaluated: 2024-01-08. Review status: no assertion criteria provided. Collection method: clinical testing. Allele origin: germline. Not counted in ClinVar's aggregate classification.
Comment: This variant is classified as likely benign based on ACMG/AMP sequence variant interpretation guidelines (Richards et al. 2015 PMID: 25741868, with internal and published modifications).